The following is an entry in ClinVar:

ClinVar aggregate classification (germline): Uncertain significance (1 of 4 stars; one submission).

Submission:

GeneDx
Classification: Uncertain significance. Last evaluated: 2022-11-11. Review status: criteria provided, single submitter. Criteria: GeneDx Variant Classification Process June 2021. Collection method: clinical testing. Allele origin: germline. Affected: yes.
Comment: Not observed at significant frequency in large population cohorts (gnomAD); In silico analysis supports that this missense variant has a deleterious effect on protein structure/function; Has not been previously published as pathogenic or benign to our knowledge

NM_001077350.3(NPRL3):c.563A>C (p.Gln188Pro)

Genes: HBA-LCR (alpha-globin locus control region; plus strand), NPRL3 (NPR3 like, GATOR1 complex subunit; minus strand). Cytogenetic location: 16p13.3.
Variant type: single nucleotide variant.
Coding change: c.563A>C on transcript NM_001077350.3 (MANE Select); coding-DNA position 563, A replaced by C.
Protein change: p.Gln188Pro; replaces glutamine 188 with proline.
Molecular consequence: missense variant.
Genome position (GRCh38, 1-based): chr16:110,591, T>G on the plus strand (A>C on the coding strand, the complement: NPRL3 is on the minus strand). VCF-style: chr16-110591-T-G. GRCh37 (hg19) VCF-style: chr16-160589-T-G.
Other names: c.26A>C, p.Gln9Pro (NM_001039476.3); c.329A>C, p.Gln110Pro (NM_001243247.2); c.488A>C, p.Gln163Pro (NM_001243248.2, NM_001243249.2); short protein forms Q110P, Q163P, Q188P, Q9P.
Identifiers: ClinVar variation 2501831 (VCV002501831.1), dbSNP rs191687929, ClinGen allele CA276416269.
Genomic context (GRCh38, chr16:110,591, plus strand): 5'-TAAGCTTCCTTGAGGTCCCTGGCCAGCTTGCACTTGGGCAGGATGTGATGGAATGGGGAC[T>G]GAGGACCTTCATTTCCTACAAGAATCACAACACAAGATTTACAGCTCCCGGGTTCAAGCG-3'
Protein context (NP_001070818.1, residues 178-198): SAMADGNEGP[Gln188Pro]SPFHHILPKC